The following is an entry in ClinVar:

ClinVar aggregate classification (germline): Likely pathogenic (1 of 4 stars; one submission).

Conditions:
Hereditary factor VIII deficiency disease (HEMA). Also called: HEMOPHILIA, CLASSIC; AUTOSOMAL HEMOPHILIA A; Hemophilia A; Hemophilia A, congenital; HEM A; Factor 8 deficiency, congenital. Identifiers: Orphanet 98878, MedGen C0019069, MONDO:0010602, OMIM 306700.

Submission:

Women's Health and Genetics/Laboratory Corporation of America, LabCorp
Classification: Likely pathogenic for Hereditary factor VIII deficiency disease. Last evaluated: 2025-09-16. Review status: criteria provided, single submitter. Criteria: LabCorp Variant Classification Summary - May 2015. Collection method: clinical testing. Allele origin: germline.
Comment: Variant summary: F8 c.602-5T>C alters a conserved nucleotide located at a position not widely known to affect splicing. Consensus agreement among computation tools predict no significant impact on normal splicing. However, these predictions have yet to be confirmed by functional studies. The variant was absent in 181793 control chromosomes. c.602-5T>C has been observed in the presumed hemizygous state in multiple individual(s) affected with Factor VIII Deficiency (Hemophilia A) (example, Zimmermann_2013, Eckhardt_2013, internal data). These data indicate that the variant is likely to be associated with disease. At least one publication reports experimental evidence evaluating an impact on protein function. The most pronounced variant effect results in 10%-<30% of normal factor VIII:C coagulation activity in patient-derived sample(s) (Eckhardt_2013). The following publications have been ascertained in the context of this evaluation (PMID: 23088352, 23926300). No submitters have cited clinical-significance assessments for this variant to ClinVar. Based on the evidence outlined above, the variant was classified as likely pathogenic.

Literature cited by the submitters: PubMed 23926300; PubMed 23088352.

NM_000132.4(F8):c.602-5T>C

Gene: F8 (coagulation factor VIII; minus strand). Cytogenetic location: Xq28.
Variant type: single nucleotide variant.
Coding change: c.602-5T>C on transcript NM_000132.4 (MANE Select); 5 bases into the intron before coding-DNA position 602, T replaced by C.
Molecular consequence: intron variant.
Genome position (GRCh38, 1-based): chrX:154,987,310, A>G on the plus strand (T>C on the coding strand, the complement: F8 is on the minus strand). VCF-style: chrX-154987310-A-G. GRCh37 (hg19) VCF-style: chrX-154215585-A-G.
Identifiers: ClinVar variation 3902795 (VCV003902795.2).